The following is an entry in ClinVar:

NM_006431.3(CCT2):c.628G>A (p.Ala210Thr)

Gene: CCT2 (chaperonin containing TCP1 subunit 2; plus strand). Cytogenetic location: 12q15.
Variant type: single nucleotide variant.
Coding change: c.628G>A on transcript NM_006431.3 (MANE Select); coding-DNA position 628, G replaced by A.
Protein change: p.Ala210Thr; replaces alanine 210 with threonine.
Molecular consequence: missense variant.
Genome position (GRCh38, 1-based): chr12:69,589,666, G>A. VCF-style: chr12-69589666-G-A. GRCh37 (hg19) VCF-style: chr12-69983446-G-A.
Other names: c.487G>A, p.Ala163Thr (NM_001198842.2); short protein forms A210T, A163T.
Identifiers: ClinVar variation 2081061 (VCV002081061.4), dbSNP rs2498994846, ClinGen allele CA385727209.

ClinVar aggregate classification (germline): Uncertain significance (1 of 4 stars; one submission).

Submission:

Labcorp Genetics (formerly Invitae), Labcorp
Classification: Uncertain significance. Last evaluated: 2022-01-12. Review status: criteria provided, single submitter. Criteria: Invitae Variant Classification Sherloc (09022015). Collection method: clinical testing. Allele origin: germline.
Comment: This sequence change replaces alanine, which is neutral and non-polar, with threonine, which is neutral and polar, at codon 210 of the CCT2 protein (p.Ala210Thr). This variant is not present in population databases (gnomAD no frequency). This variant has not been reported in the literature in individuals affected with CCT2-related conditions. Algorithms developed to predict the effect of missense changes on protein structure and function (SIFT, PolyPhen-2, Align-GVGD) all suggest that this variant is likely to be tolerated. In summary, the available evidence is currently insufficient to determine the role of this variant in disease. Therefore, it has been classified as a Variant of Uncertain Significance.